The following is an entry in ClinVar:

ClinVar aggregate classification (germline): Likely pathogenic (1 of 4 stars; one submission).

Conditions:
Ellis-van Creveld syndrome (EVC). Also called: EVC-Related Ellis-van Creveld Syndrome; EVC2-Related Ellis-van Creveld Syndrome; MESOECTODERMAL DYSPLASIA; Chondroectodermal dysplasia. Identifiers: Orphanet 289, MedGen C0013903, MONDO:0009162, OMIM 225500.

Submission:

Myriad Genetics, Inc.
Classification: Likely pathogenic for Ellis-van Creveld syndrome. Last evaluated: 2022-01-25. Review status: criteria provided, single submitter. Criteria: Myriad Women's Health Autosomal Recessive and X-Linked Classification Criteria (2021). Collection method: clinical testing. Allele origin: unknown.
Comment: NM_147127.4(EVC2):c.2394_2395delGG(D799Pfs*14) is expected to be pathogenic in the context of EVC2-related Ellis-van Creveld syndrome. This variant is predicted to lead to an abnormal or absent protein product due to the creation of a premature termination codon in EVC2, a gene where loss-of-function variants are known to be pathogenic. Please note: this variant was assessed in the context of healthy population screening.

NM_147127.5(EVC2):c.2394_2395del (p.Asp799fs)

Gene: EVC2 (EvC ciliary complex subunit 2; minus strand). Cytogenetic location: 4p16.2.
Variant type: Deletion.
Coding change: c.2394_2395del on transcript NM_147127.5 (MANE Select); coding-DNA positions 2394 to 2395, 2 bases deleted (GG; older notation c.2394_2395delGG).
Protein change: p.Asp799fs; shifts the reading frame from aspartic acid 799.
Molecular consequence: frameshift variant.
Genome position (GRCh38, 1-based): chr4:5,622,643-5,622,644, CC deleted on the plus strand (GG on the coding strand, the reverse complement: EVC2 is on the minus strand); deleting any 2 consecutive bases within chr4:5,622,643-5,622,645 gives the same sequence; the c. name uses the placement nearest the transcript's 3' end. VCF-style (leftmost placement, unchanged base first): chr4-5622642-TCC-T. GRCh37 (hg19) VCF-style: chr4-5624369-TCC-T.
Other names: c.2154_2155del, p.Asp719fs (NM_001166136.2); short protein forms D719fs, D799fs.
Identifiers: ClinVar variation 1724093 (VCV001724093.2), dbSNP rs2475374125, ClinGen allele CA2580070753.